The following is an entry in ClinVar:

NM_001171.6(ABCC6):c.1491C>A (p.Asn497Lys)

Gene: ABCC6 (ATP binding cassette subfamily C member 6; minus strand). Cytogenetic location: 16p13.11.
Variant type: single nucleotide variant.
Coding change: c.1491C>A on transcript NM_001171.6 (MANE Select); coding-DNA position 1491, C replaced by A.
Protein change: p.Asn497Lys; replaces asparagine 497 with lysine.
Molecular consequence: missense variant. On other transcripts: non-coding transcript variant (1).
Genome position (GRCh38, 1-based): chr16:16,190,308, G>T on the plus strand (C>A on the coding strand, the complement: ABCC6 is on the minus strand). VCF-style: chr16-16190308-G-T. GRCh37 (hg19) VCF-style: chr16-16284165-G-T.
Other names: c.1149C>A, p.Asn383Lys (NM_001351800.1); short protein forms N497K, N383K.
Identifiers: ClinVar variation 433234 (VCV000433234.7), dbSNP rs72653770, ClinGen allele CA278658052.

ClinVar aggregate classification (germline): Uncertain significance. Review status: criteria provided, multiple submitters, no conflicts (2 of 4 stars). 3 submissions from 3 submitters: Uncertain significance (2). 1 of the submissions does not count toward it. Last evaluated 2024-03-14.

Conditions:
Arterial calcification, generalized, of infancy, 2. Identifiers: Orphanet 51608, MedGen C3276161, MONDO:0013768, OMIM 614473.
Autosomal recessive inherited pseudoxanthoma elasticum (PXE). Identifiers: Orphanet 758, MedGen CN032334, MONDO:0009925, OMIM 264800.
Pseudoxanthoma elasticum, forme fruste. Also called: Pseudoxanthoma Elasticum, Incomplete; PSEUDOXANTHOMA ELASTICUM, HETEROZYGOUS. Identifiers: Orphanet 758, MedGen C1867450, MONDO:0008333, OMIM 177850.

Allele frequency attached by ClinVar (database versions not stated): gnomAD 0.00002; gnomAD exomes 0.00001.
gnomAD v4.1: 6 of 1,614,056 alleles (0.00037%); highest among the groups gnomAD compares: African/African-American, 0.004%; no homozygotes.

Submissions (3):

Fulgent Genetics
Classification: Uncertain significance for Pseudoxanthoma elasticum, forme fruste; Autosomal recessive inherited pseudoxanthoma elasticum; Arterial calcification, generalized, of infancy, 2. Last evaluated: 2024-03-14. Review status: criteria provided, single submitter. Criteria: ACMG Guidelines, 2015. Collection method: clinical testing. Allele origin: germline.

Labcorp Genetics (formerly Invitae), Labcorp
Classification: Uncertain significance. Last evaluated: 2022-07-12. Review status: criteria provided, single submitter. Criteria: Invitae Variant Classification Sherloc (09022015). Collection method: clinical testing. Allele origin: germline.
Comment: This sequence change replaces asparagine, which is neutral and polar, with lysine, which is basic and polar, at codon 497 of the ABCC6 protein (p.Asn497Lys). This variant is present in population databases (rs72653770, gnomAD 0.006%). This missense change has been observed in individual(s) with clinical features of ABCC6-related conditions (PMID: 11536079, 16835894). This variant is also known as 1489C>A. ClinVar contains an entry for this variant (Variation ID: 433234). Advanced modeling of protein sequence and biophysical properties (such as structural, functional, and spatial information, amino acid conservation, physicochemical variation, residue mobility, and thermodynamic stability) performed at Invitae indicates that this missense variant is not expected to disrupt ABCC6 protein function. In summary, the available evidence is currently insufficient to determine the role of this variant in disease. Therefore, it has been classified as a Variant of Uncertain Significance.

PXE International
Classification: Uncertain significance for Autosomal recessive inherited pseudoxanthoma elasticum. Last evaluated: 2021-03-01. Review status: no assertion criteria provided. Collection method: research. Allele origin: germline. Inheritance: Autosomal recessive inheritance. Affected: yes. Not counted in ClinVar's aggregate classification.

Literature cited by the submitters: PubMed 11536079 (cited by Labcorp Genetics (formerly Invitae), Labcorp); PubMed 16835894 (cited by Labcorp Genetics (formerly Invitae), Labcorp and PXE International); PubMed 32873932 (cited by PXE International).